The following is an entry in ClinVar:

ClinVar aggregate classification (germline): Likely pathogenic (1 of 4 stars; one submission).

Conditions:
Hereditary cancer-predisposing syndrome. Also called: Tumor predisposition; Neoplastic Syndromes, Hereditary; Hereditary neoplastic syndrome; Hereditary Cancer Syndrome. Identifiers: Orphanet 140162, MedGen C0027672, MeSH D009386, MONDO:0015356.

Submission:

GeneKor MSA
Classification: Likely pathogenic for Hereditary cancer-predisposing syndrome. Last evaluated: 2025-06-25. Review status: criteria provided, single submitter. Criteria: ACMG Guidelines, 2015. Collection method: clinical testing. Allele origin: germline.
Comment: This variant is a single base deletion at nucleotide position 743 of the APC gene, causing a translational frameshift with a predicted alternate stop codon after 45 nucleotide residues (p.Asn248Thrfs*4). This results in the production of a truncated, non-functional protein. Truncating variants in APC are known to be pathogenic (PMID:17963004, 20685668). This variant has not been described in population databases. Based on the classification criteria set by the ACMG and AMP (PMID:25741868) this variant has been classified as likely pathogenic.

Literature cited by the submitters: PubMed 17963004; PubMed 20685668.

NM_000038.6(APC):c.743del (p.Asn248fs)

Gene: APC (APC regulator of Wnt signaling pathway; plus strand). Cytogenetic location: 5q22.2.
Variant type: Deletion.
Coding change: c.743del on transcript NM_000038.6 (MANE Select); coding-DNA position 743, one base deleted (A; older notation c.743delA).
Protein change: p.Asn248fs; shifts the reading frame from asparagine 248.
Molecular consequence: frameshift variant. On other transcripts: 5 prime UTR variant (4), non-coding transcript variant (2).
Genome position (GRCh38, 1-based): chr5:112,801,292, A deleted; the last of 2 consecutive A bases (chr5:112,801,291-112,801,292); deleting either gives the same sequence. VCF-style (leftmost placement, unchanged base first): chr5-112801290-GA-G. GRCh37 (hg19) VCF-style: chr5-112136987-GA-G.
Other names: c.743del, p.Asn248fs (NM_001407454.1, NM_001407455.1, NM_001407456.1 and 12 more transcripts); c.659del, p.Asn220fs (NM_001407467.1, NM_001407469.1, NM_001354899.2 and 1 more transcripts); c.-293del (NM_001407470.1, NM_001354906.2, NM_001407471.1 and 1 more transcripts); c.689del, p.Asn230fs (NM_001127511.3); c.773del, p.Asn258fs (NM_001354897.2, NM_001354902.2, NM_001407446.1); c.668del, p.Asn223fs (NM_001354898.2, NM_001354904.2, NM_001407451.1); c.566del, p.Asn189fs (NM_001354900.2, NM_001354901.2, NM_001354905.2 and 1 more transcripts); short protein forms N189fs, N220fs, N223fs, N230fs, N248fs, N258fs.
Identifiers: ClinVar variation 4077025 (VCV004077025.1).